The following is an entry in ClinVar:

NM_017635.5(KMT5B):c.229C>T (p.Leu77Phe)

Gene: KMT5B (lysine methyltransferase 5B; minus strand). Cytogenetic location: 11q13.2.
Variant type: single nucleotide variant.
Coding change: c.229C>T on transcript NM_017635.5 (MANE Select); coding-DNA position 229, C replaced by T.
Protein change: p.Leu77Phe; replaces leucine 77 with phenylalanine.
Molecular consequence: missense variant. On other transcripts: 5 prime UTR variant (8), non-coding transcript variant (3), intron variant (1).
Genome position (GRCh38, 1-based): chr11:68,185,860, G>A on the plus strand (C>T on the coding strand, the complement: KMT5B is on the minus strand). VCF-style: chr11-68185860-G-A. GRCh37 (hg19) VCF-style: chr11-67953327-G-A.
Other names: c.229C>T, p.Leu77Phe (NM_001369427.1, NM_016028.4, NM_001300909.2 and 2 more transcripts); c.-649C>T (NM_001369428.1); c.-366C>T (NM_001369430.1); c.-435C>T (NM_001369431.1, NM_001369432.1, NM_001369424.1); c.-950C>T (NM_001369433.1); c.-209+4057C>T (NM_001369429.1); c.-356C>T (NM_001300907.1); c.-439C>T (NM_001300908.2); and 1 more; short protein forms L6F, L77F.
Identifiers: ClinVar variation 1314845 (VCV001314845.2), dbSNP rs2153068020, ClinGen allele CA381609514.

ClinVar aggregate classification (germline): Uncertain significance (1 of 4 stars; one submission).

Submission:

GeneDx
Classification: Uncertain significance. Last evaluated: 2021-04-15. Review status: criteria provided, single submitter. Criteria: GeneDx Variant Classification Process June 2021. Collection method: clinical testing. Allele origin: germline. Affected: yes.
Comment: Not observed in large population cohorts (Lek et al., 2016); In silico analysis supports that this missense variant has a deleterious effect on protein structure/function; Has not been previously published as pathogenic or benign to our knowledge